The following is an entry in ClinVar:

ClinVar aggregate classification (germline): Uncertain significance (1 of 4 stars; one submission).

Conditions:
Hereditary nonpolyposis colorectal neoplasms. Identifiers: MedGen C0009405, MeSH D003123.

Submission:

Labcorp Genetics (formerly Invitae), Labcorp
Classification: Uncertain significance for Hereditary nonpolyposis colorectal neoplasms. Last evaluated: 2025-06-15. Review status: criteria provided, single submitter. Criteria: Invitae Variant Classification Sherloc (09022015). Collection method: clinical testing. Allele origin: germline.
Comment: This variant, c.2151_2159del, results in the deletion of 3 amino acid(s) of the MSH6 protein (p.Ser718_Thr720del), but otherwise preserves the integrity of the reading frame. This variant is not present in population databases (gnomAD no frequency). This variant has not been reported in the literature in individuals affected with MSH6-related conditions. Experimental studies and prediction algorithms are not available or were not evaluated, and the functional significance of this variant is currently unknown. In summary, the available evidence is currently insufficient to determine the role of this variant in disease. Therefore, it has been classified as a Variant of Uncertain Significance.

NM_000179.3(MSH6):c.2151_2159del (p.Ser718_Thr720del)

Gene: MSH6 (mutS homolog 6; plus strand). Cytogenetic location: 2p16.3.
Variant type: Deletion.
Coding change: c.2151_2159del on transcript NM_000179.3 (MANE Select); coding-DNA positions 2151 to 2159, 9 bases deleted (CAGCACTAC; older notation c.2151_2159delCAGCACTAC).
Protein change: p.Ser718_Thr720del.
Molecular consequence: inframe deletion. On other transcripts: non-coding transcript variant (5), intron variant (2).
Genome position (GRCh38, 1-based): chr2:47,800,134-47,800,142, CAGCACTAC deleted. VCF-style (leftmost placement, unchanged base first): chr2-47800133-TCAGCACTAC-T. GRCh37 (hg19) VCF-style: chr2-48027272-TCAGCACTAC-T.
Other names: c.1761_1769del, p.Ser588_Thr590del (NM_001281492.2); c.1245_1253del, p.Ser416_Thr418del (NM_001281493.2, NM_001281494.2, NM_001406811.1 and 6 more transcripts); c.2247_2255del, p.Ser750_Thr752del (NM_001406795.1, NM_001406802.1); c.2151_2159del, p.Ser718_Thr720del (NM_001406796.1, NM_001406798.1, NM_001406800.1 and 3 more transcripts); c.1854_1862del, p.Ser619_Thr621del (NM_001406797.1, NM_001406801.1, NM_001406805.1 and 10 more transcripts); c.1626_1634del, p.Ser543_Thr545del (NM_001406799.1, NM_001406806.1, NM_001406807.1); c.2073_2081del, p.Ser692_Thr694del (NM_001406804.1); c.2157_2165del, p.Ser720_Thr722del (NM_001406813.1); and 3 more.
Identifiers: ClinVar variation 4721422 (VCV004721422.1).
Genomic context (GRCh38, chr2:47,800,133, plus strand): 5'-ATCAGGAGCTTTTATCAATGGCTAATTTTGAAGAATATATTCCCTTGGATTCTGACACAG[TCAGCACTAC>T]AAGATCTGGTGCTATCTTCACCAAAGCCTATCAACGAATGGTGCTAGATGCAGTGACATT-3'